The following is an entry in ClinVar:

ClinVar aggregate classification (germline): Uncertain significance. Review status: criteria provided, multiple submitters, no conflicts (2 of 4 stars). 3 submissions from 3 submitters: Uncertain significance (3). Last evaluated 2024-03-24.

Conditions:
Ataxia-telangiectasia-like disorder (ATLD). Identifiers: MedGen C1858391, MONDO:0011457.
Hereditary cancer-predisposing syndrome. Also called: Neoplastic Syndromes, Hereditary; Tumor predisposition; Hereditary Cancer Syndrome; Hereditary neoplastic syndrome. Identifiers: Orphanet 140162, MedGen C0027672, MeSH D009386, MONDO:0015356.
Ataxia-telangiectasia-like disorder 1 (ATLD1). Identifiers: Orphanet 251347, MedGen C4012790, MONDO:0024557, OMIM 604391.

Allele frequency attached by ClinVar (database versions not stated): gnomAD exomes below 0.00001; TOPMed below 0.00001; gnomAD 0.00001.
gnomAD v4.1: 3 of 1,613,964 alleles (0.00019%); highest among the groups gnomAD compares: Non-Finnish European, 0.00017%; no homozygotes.

Submissions (3):

Baylor Genetics
Classification: Uncertain significance for Ataxia-telangiectasia-like disorder 1. Last evaluated: 2024-03-24. Review status: criteria provided, single submitter. Criteria: ACMG Guidelines, 2015. Collection method: clinical testing. Allele origin: unknown.

Ambry Genetics
Classification: Uncertain significance for Hereditary cancer-predisposing syndrome. Last evaluated: 2022-12-31. Review status: criteria provided, single submitter. Criteria: Ambry Variant Classification Scheme 2023. Collection method: clinical testing. Allele origin: germline.
Comment: The p.R577G variant (also known as c.1729A>G), located in coding exon 14 of the MRE11A gene, results from an A to G substitution at nucleotide position 1729. The arginine at codon 577 is replaced by glycine, an amino acid with dissimilar properties. This amino acid position is well conserved in available vertebrate species. In addition, this alteration is predicted to be tolerated by in silico analysis. Since supporting evidence is limited at this time, the clinical significance of this alteration remains unclear.

Labcorp Genetics (formerly Invitae), Labcorp
Classification: Uncertain significance for Ataxia-telangiectasia-like disorder. Last evaluated: 2020-02-17. Review status: criteria provided, single submitter. Criteria: Invitae Variant Classification Sherloc (09022015). Collection method: clinical testing. Allele origin: germline.
Comment: In summary, the available evidence is currently insufficient to determine the role of this variant in disease. Therefore, it has been classified as a Variant of Uncertain Significance. Algorithms developed to predict the effect of missense changes on protein structure and function are either unavailable or do not agree on the potential impact of this missense change (SIFT: "Tolerated"; PolyPhen-2: "Probably Damaging"; Align-GVGD: "Class C0"). This variant has not been reported in the literature in individuals with MRE11-related conditions. This variant is not present in population databases (ExAC no frequency). This sequence change replaces arginine with glycine at codon 577 of the MRE11 protein (p.Arg577Gly). The arginine residue is moderately conserved and there is a moderate physicochemical difference between arginine and glycine.

NM_005591.4(MRE11):c.1729A>G (p.Arg577Gly)

Gene: MRE11 (MRE11 double strand break repair nuclease; minus strand). Cytogenetic location: 11q21.
Variant type: single nucleotide variant.
Coding change: c.1729A>G on transcript NM_005591.4 (MANE Select); coding-DNA position 1729, A replaced by G.
Protein change: p.Arg577Gly; replaces arginine 577 with glycine.
Molecular consequence: missense variant.
Genome position (GRCh38, 1-based): chr11:94,447,273, T>C on the plus strand (A>G on the coding strand, the complement: MRE11 is on the minus strand). VCF-style: chr11-94447273-T-C. GRCh37 (hg19) VCF-style: chr11-94180439-T-C.
Other names: c.1729A>G, p.Arg577Gly (NM_001330347.2, NM_005590.4); short protein forms R577G.
Identifiers: ClinVar variation 819924 (VCV000819924.15), dbSNP rs1200372640, ClinGen allele CA382368216.
Genomic context (GRCh38, chr11:94,447,273, plus strand): 5'-GCTCACCTCTTCCTCTTTGAGACCCTCCTCTCGATGCTGAATTCTGCCCTCTTCCACCTC[T>C]TCGACCTCTTCCTCGGCCTCTTCCTTTGTTGGTTGCTGCTGAGATGCTATCATCAGAGTC-3'
Protein context (NP_005582.1, residues 567-587): NKGRGRGRGR[Arg577Gly]GGRGQNSASR